The following is an entry in ClinVar:

NM_000038.6(APC):c.3206G>A (p.Arg1069Lys)

Gene: APC (APC regulator of Wnt signaling pathway; plus strand). Cytogenetic location: 5q22.2.
Variant type: single nucleotide variant.
Coding change: c.3206G>A on transcript NM_000038.6 (MANE Select); coding-DNA position 3206, G replaced by A.
Protein change: p.Arg1069Lys; replaces arginine 1069 with lysine.
Molecular consequence: missense variant. On other transcripts: non-coding transcript variant (2).
Genome position (GRCh38, 1-based): chr5:112,838,800, G>A. VCF-style: chr5-112838800-G-A. GRCh37 (hg19) VCF-style: chr5-112174497-G-A.
Other names: c.3206G>A, p.Arg1069Lys (NM_001127510.3, NM_001354895.2, NM_001407450.1); c.3152G>A, p.Arg1051Lys (NM_001127511.3); c.3260G>A, p.Arg1087Lys (NM_001354896.2, NM_001407447.1, NM_001407448.1 and 1 more transcripts); c.3236G>A, p.Arg1079Lys (NM_001354897.2); c.3131G>A, p.Arg1044Lys (NM_001354898.2); c.3122G>A, p.Arg1041Lys (NM_001354899.2); c.3083G>A, p.Arg1028Lys (NM_001354900.2); c.3029G>A, p.Arg1010Lys (NM_001354901.2, NM_001407453.1); and 11 more; short protein forms R1010K, R1028K, R1041K, R1044K, R1051K, R1059K, R1062K, R1069K.
Identifiers: ClinVar variation 3228114 (VCV003228114.2), dbSNP rs2149886840, ClinGen allele CA16028364.

ClinVar aggregate classification (germline): Uncertain significance. Review status: criteria provided, multiple submitters, no conflicts (2 of 4 stars). 2 submissions from 2 submitters: Uncertain significance (2). Last evaluated 2024-03-25.

Conditions:
Hereditary cancer-predisposing syndrome. Also called: Neoplastic Syndromes, Hereditary; Tumor predisposition; Hereditary neoplastic syndrome; Hereditary Cancer Syndrome. Identifiers: Orphanet 140162, MedGen C0027672, MeSH D009386, MONDO:0015356.

Submissions (2):

Color Diagnostics, LLC DBA Color Health
Classification: Uncertain significance for Hereditary cancer-predisposing syndrome. Last evaluated: 2024-03-25. Review status: criteria provided, single submitter. Criteria: ACMG Guidelines, 2015. Collection method: clinical testing. Allele origin: germline.
Comment: This missense variant replaces arginine with lysine at codon 1069 of the APC protein. Computational prediction suggests that this variant may not impact protein structure and function (internally defined REVEL score threshold <= 0.5, PMID: 27666373). To our knowledge, functional studies have not been reported for this variant. This variant has not been reported in individuals affected with APC-related disorders in the literature. This variant has not been identified in the general population by the Genome Aggregation Database (gnomAD). The available evidence is insufficient to determine the role of this variant in disease conclusively. Therefore, this variant is classified as a Variant of Uncertain Significance.

Ambry Genetics
Classification: Uncertain significance for Hereditary cancer-predisposing syndrome. Last evaluated: 2023-10-23. Review status: criteria provided, single submitter. Criteria: Ambry Variant Classification Scheme 2023. Collection method: clinical testing. Allele origin: germline.
Comment: The p.R1069K variant (also known as c.3206G>A), located in coding exon 15 of the APC gene, results from a G to A substitution at nucleotide position 3206. The arginine at codon 1069 is replaced by lysine, an amino acid with highly similar properties. This amino acid position is highly conserved in available vertebrate species. In addition, in silico predictors for this gene do not accurately predict pathogenicity. Since supporting evidence is limited at this time, the clinical significance of this alteration remains unclear.